The following is an entry in ClinVar:

ClinVar aggregate classification (germline): Pathogenic/Likely pathogenic. Review status: criteria provided, multiple submitters, no conflicts (2 of 4 stars). 2 submissions from 2 submitters: Pathogenic (1); Likely pathogenic (1). Last evaluated 2024-04-30.

Conditions:
Early-infantile DEE. Also called: Early infantile epileptic encephalopathy; Ohtahara syndrome; Early infantile epileptic encephalopathy with suppression bursts. Identifiers: Orphanet 1934, MedGen C0393706, MONDO:0800491.

Submissions (2):

GeneDx
Classification: Likely pathogenic. Last evaluated: 2024-04-30. Review status: criteria provided, single submitter. Criteria: GeneDx Variant Classification Process June 2021. Collection method: clinical testing. Allele origin: germline. Affected: yes.
Comment: Not observed at significant frequency in large population cohorts (gnomAD); In silico analysis supports that this missense variant has a deleterious effect on protein structure/function; This substitution is predicted to be within the transmembrane segment S6 of the second homologous domain; This variant is associated with the following publications: (PMID: 19522081, 28717674, 22071555, 32090326, 35074891, 21248271)

Labcorp Genetics (formerly Invitae), Labcorp
Classification: Pathogenic for Early-infantile DEE. Last evaluated: 2022-03-03. Review status: criteria provided, single submitter. Criteria: Invitae Variant Classification Sherloc (09022015). Collection method: clinical testing. Allele origin: germline.
Comment: Algorithms developed to predict the effect of sequence changes on RNA splicing suggest that this variant may create or strengthen a splice site. For these reasons, this variant has been classified as Pathogenic. Advanced modeling of protein sequence and biophysical properties (such as structural, functional, and spatial information, amino acid conservation, physicochemical variation, residue mobility, and thermodynamic stability) performed at Invitae indicates that this missense variant is expected to disrupt SCN1A protein function. ClinVar contains an entry for this variant (Variation ID: 957303). This missense change has been observed in individual(s) with SCN1A-related conditions (PMID: 19522081, 21248271, 22071555). In at least one individual the variant was observed to be de novo. This variant is not present in population databases (gnomAD no frequency). This sequence change replaces methionine, which is neutral and non-polar, with isoleucine, which is neutral and non-polar, at codon 976 of the SCN1A protein (p.Met976Ile).

Literature cited by the submitters: PubMed 19522081 (cited by Labcorp Genetics (formerly Invitae), Labcorp); PubMed 21248271 (cited by Labcorp Genetics (formerly Invitae), Labcorp); PubMed 22071555 (cited by Labcorp Genetics (formerly Invitae), Labcorp).

NM_001165963.4(SCN1A):c.2928G>A (p.Met976Ile)

Gene: SCN1A (sodium voltage-gated channel alpha subunit 1; minus strand). Cytogenetic location: 2q24.3.
Variant type: single nucleotide variant.
Coding change: c.2928G>A on transcript NM_001165963.4 (MANE Select); coding-DNA position 2928, G replaced by A.
Protein change: p.Met976Ile; replaces methionine 976 with isoleucine.
Molecular consequence: missense variant. On other transcripts: non-coding transcript variant (1).
Genome position (GRCh38, 1-based): chr2:166,037,794, C>T on the plus strand (G>A on the coding strand, the complement: SCN1A is on the minus strand). VCF-style: chr2-166037794-C-T. GRCh37 (hg19) VCF-style: chr2-166894304-C-T.
Other names: c.2844G>A, p.Met948Ile (NM_001165964.3, NM_001353957.2, NM_001353958.2); c.2928G>A, p.Met976Ile (NM_001202435.3, NM_001353948.2); c.2895G>A, p.Met965Ile (NM_001353949.2, NM_001353950.2, NM_001353951.2 and 2 more transcripts); c.2892G>A, p.Met964Ile (NM_001353954.2, NM_001353955.2); c.2841G>A, p.Met947Ile (NM_001353960.2); c.486G>A, p.Met162Ile (NM_001353961.2); short protein forms M965I, M976I, M162I, M947I, M948I, M964I.
Identifiers: ClinVar variation 957303 (VCV000957303.9), dbSNP rs1696602585, ClinGen allele CA349060795.
Genomic context (GRCh38, chr2:166,037,794, plus strand): 5'-GCTGGTGTATTTCCAAAATGCATATCTTAAGTGGGTACATACCACTAGGTTTCCAATCAC[C>T]ATGACCATCATGAAGACAGTAAGGCACATGGCTTGACCAGCAACCTCCATACAGTCCCAC-3'
Protein context (NP_001159435.1, residues 966-986): AMCLTVFMMV[Met976Ile]VIGNLVVLNL